The following is an entry in ClinVar:

ClinVar aggregate classification (germline): Likely benign (0 of 4 stars; one submission).

Conditions:
FOXH1-related disorder. Also called: FOXH1-related condition.

Allele frequency attached by ClinVar (database versions not stated): ExAC 0.00001.

Submission:

PreventionGenetics, part of Exact Sciences
Classification: Likely benign for FOXH1-related condition. Last evaluated: 2021-04-21. Review status: no assertion criteria provided. Collection method: clinical testing. Allele origin: germline.
Comment: This variant is classified as likely benign based on ACMG/AMP sequence variant interpretation guidelines (Richards et al. 2015 PMID: 25741868, with internal and published modifications).

NM_003923.3(FOXH1):c.795C>T (p.Ser265=)

Gene: FOXH1 (forkhead box H1; minus strand). Cytogenetic location: 8q24.3.
Variant type: single nucleotide variant.
Coding change: c.795C>T on transcript NM_003923.3 (MANE Select); coding-DNA position 795, C replaced by T.
Protein change: p.Ser265=; no amino-acid change (serine 265 retained).
Molecular consequence: synonymous variant.
Genome position (GRCh38, 1-based): chr8:144,474,541, G>A on the plus strand (C>T on the coding strand, the complement: FOXH1 is on the minus strand). VCF-style: chr8-144474541-G-A. GRCh37 (hg19) VCF-style: chr8-145699924-G-A.
Identifiers: ClinVar variation 3030225 (VCV003030225.2), dbSNP rs759442283, ClinGen allele CA4945434.